The following is an entry in ClinVar:

ClinVar aggregate classification (germline): Uncertain significance (1 of 4 stars; one submission).

Conditions:
Primary ciliary dyskinesia. Also called: Ciliary dyskinesia. Identifiers: Orphanet 244, MedGen C0008780, MONDO:0016575, HP:0012265.

Allele frequency attached by ClinVar (database versions not stated): gnomAD 0.00001; TOPMed 0.00001.
gnomAD v4.1: 4 of 1,502,136 alleles (0.00027%); highest among the groups gnomAD compares: Non-Finnish European, 0.00037%; no homozygotes.

Submission:

Labcorp Genetics (formerly Invitae), Labcorp
Classification: Uncertain significance for Primary ciliary dyskinesia. Last evaluated: 2022-08-15. Review status: criteria provided, single submitter. Criteria: Invitae Variant Classification Sherloc (09022015). Collection method: clinical testing. Allele origin: germline.
Comment: In summary, the available evidence is currently insufficient to determine the role of this variant in disease. Therefore, it has been classified as a Variant of Uncertain Significance. Algorithms developed to predict the effect of missense changes on protein structure and function are either unavailable or do not agree on the potential impact of this missense change (SIFT: "Deleterious"; PolyPhen-2: "Not Available"; Align-GVGD: "Class C0"). ClinVar contains an entry for this variant (Variation ID: 1448458). This variant has not been reported in the literature in individuals affected with DNAH8-related conditions. This variant is present in population databases (no rsID available, gnomAD 0.007%). This sequence change replaces aspartic acid, which is acidic and polar, with valine, which is neutral and non-polar, at codon 4314 of the DNAH8 protein (p.Asp4314Val).

NM_001206927.2(DNAH8):c.12941A>T (p.Asp4314Val)

Gene: DNAH8 (dynein axonemal heavy chain 8; plus strand). Cytogenetic location: 6p21.2.
Variant type: single nucleotide variant.
Coding change: c.12941A>T on transcript NM_001206927.2 (MANE Select); coding-DNA position 12941, A replaced by T.
Protein change: p.Asp4314Val; replaces aspartic acid 4314 with valine.
Molecular consequence: missense variant.
Genome position (GRCh38, 1-based): chr6:38,982,452, A>T. VCF-style: chr6-38982452-A-T. GRCh37 (hg19) VCF-style: chr6-38950228-A-T.
Other names: c.12290A>T, p.Asp4097Val (NM_001371.4); short protein forms D4097V, D4314V.
Identifiers: ClinVar variation 1448458 (VCV001448458.6), dbSNP rs1422712718, ClinGen allele CA364008217.